The following is an entry in ClinVar:

ClinVar aggregate classification (germline): Uncertain significance. Review status: criteria provided, multiple submitters, no conflicts (2 of 4 stars). 2 submissions from 2 submitters: Uncertain significance (2). Last evaluated 2024-07-12.

Conditions:
Emery-Dreifuss muscular dystrophy 4, autosomal dominant (EDMD4). Also called: EMERY-DREIFUSS MUSCULAR DYSTROPHY 4 WITH VARIABLE FEATURES. Identifiers: Orphanet 261, MedGen C2751807, MONDO:0013071, OMIM 612998.
Autosomal recessive ataxia, Beauce type. Also called: SYNE1 Deficiency; Spinocerebellar ataxia, autosomal recessive 8; ATAXIA, RECESSIVE, OF BEAUCE; SYNE1-Related Autosomal Recessive Cerebellar Ataxia. Identifiers: Orphanet 88644, MedGen C1853116, MONDO:0012549, OMIM 610743.

gnomAD v4.1: 12 of 1,614,156 alleles (0.00074%); highest among the groups gnomAD compares: South Asian, 0.0011%; no homozygotes.

Submissions (2):

Labcorp Genetics (formerly Invitae), Labcorp
Classification: Uncertain significance for Emery-Dreifuss muscular dystrophy 4, autosomal dominant; Autosomal recessive ataxia, Beauce type. Last evaluated: 2024-07-12. Review status: criteria provided, single submitter. Criteria: Invitae Variant Classification Sherloc (09022015). Collection method: clinical testing. Allele origin: germline.
Comment: This sequence change replaces glutamic acid, which is acidic and polar, with lysine, which is basic and polar, at codon 4696 of the SYNE1 protein (p.Glu4696Lys). This variant is present in population databases (rs150902491, gnomAD 0.0009%). This variant has not been reported in the literature in individuals affected with SYNE1-related conditions. An algorithm developed to predict the effect of missense changes on protein structure and function (PolyPhen-2) suggests that this variant is likely to be disruptive. In summary, the available evidence is currently insufficient to determine the role of this variant in disease. Therefore, it has been classified as a Variant of Uncertain Significance.

Athena Diagnostics
Classification: Uncertain significance. Last evaluated: 2024-02-09. Review status: criteria provided, single submitter. Criteria: Athena Diagnostics Criteria. Collection method: clinical testing. Allele origin: unknown.
Comment: Available data are insufficient to determine the clinical significance of the variant at this time. The frequency of this variant in the general population is uninformative in assessment of its pathogenicity. Computational tools disagree on the variant's effect on normal protein function.

NM_182961.4(SYNE1):c.14299G>A (p.Glu4767Lys)

Gene: SYNE1 (spectrin repeat containing nuclear envelope protein 1; minus strand). Cytogenetic location: 6q25.2.
Variant type: single nucleotide variant.
Coding change: c.14299G>A on transcript NM_182961.4 (MANE Select); coding-DNA position 14299, G replaced by A.
Protein change: p.Glu4767Lys; replaces glutamic acid 4767 with lysine.
Molecular consequence: missense variant.
Genome position (GRCh38, 1-based): chr6:152,330,386, C>T on the plus strand (G>A on the coding strand, the complement: SYNE1 is on the minus strand). VCF-style: chr6-152330386-C-T. GRCh37 (hg19) VCF-style: chr6-152651521-C-T.
Other names: c.14086G>A, p.Glu4696Lys (NM_033071.5); short protein forms E4696K, E4767K.
Identifiers: ClinVar variation 3571931 (VCV003571931.3).